The following is an entry in ClinVar:

NM_005862.3(STAG1):c.720C>T (p.Leu240=)

Gene: STAG1 (STAG1 cohesin complex component; minus strand). Cytogenetic location: 3q22.3.
Variant type: single nucleotide variant.
Coding change: c.720C>T on transcript NM_005862.3 (MANE Select); coding-DNA position 720, C replaced by T.
Protein change: p.Leu240=; no amino-acid change (leucine 240 retained).
Molecular consequence: synonymous variant.
Genome position (GRCh38, 1-based): chr3:136,502,736, G>A on the plus strand (C>T on the coding strand, the complement: STAG1 is on the minus strand). VCF-style: chr3-136502736-G-A. GRCh37 (hg19) VCF-style: chr3-136221578-G-A.
Identifiers: ClinVar variation 2654182 (VCV002654182.27), dbSNP rs1205445162, ClinGen allele CA435841677.

ClinVar aggregate classification (germline): Likely benign. Review status: criteria provided, multiple submitters, no conflicts (2 of 4 stars). 2 submissions from 2 submitters: Likely benign (2). Last evaluated 2023-06-17.

Allele frequency attached by ClinVar (database versions not stated): TOPMed below 0.00001; gnomAD exomes 0.00001.
gnomAD v4.1: 10 of 1,612,674 alleles (0.00062%); highest among the groups gnomAD compares: South Asian, 0.0088%; no homozygotes.

Submissions (2):

Labcorp Genetics (formerly Invitae), Labcorp
Classification: Likely benign. Last evaluated: 2023-06-17. Review status: criteria provided, single submitter. Criteria: Invitae Variant Classification Sherloc (09022015). Collection method: clinical testing. Allele origin: germline.

CeGaT Center for Human Genetics Tuebingen
Classification: Likely benign. Last evaluated: 2022-12-01. Review status: criteria provided, single submitter. Criteria: CeGaT Center For Human Genetics Tuebingen Variant Classification Criteria Version 2. Collection method: clinical testing. Allele origin: germline. Affected: yes. Observed: 1 variant allele.
Comment: STAG1: BP4, BP7